The following is an entry in ClinVar:

ClinVar aggregate classification (germline): Uncertain significance (1 of 4 stars; one submission).

gnomAD v4.1: 4 of 1,613,370 alleles (0.00025%); highest among the groups gnomAD compares: Admixed American, 0.005%; no homozygotes.

Submission:

Labcorp Genetics (formerly Invitae), Labcorp
Classification: Uncertain significance. Last evaluated: 2024-11-27. Review status: criteria provided, single submitter. Criteria: Invitae Variant Classification Sherloc (09022015). Collection method: clinical testing. Allele origin: germline.
Comment: This sequence change replaces alanine, which is neutral and non-polar, with serine, which is neutral and polar, at codon 937 of the ZHX3 protein (p.Ala937Ser). This variant is not present in population databases (gnomAD no frequency). This variant has not been reported in the literature in individuals affected with ZHX3-related conditions. An algorithm developed to predict the effect of missense changes on protein structure and function (PolyPhen-2) suggests that this variant is likely to be tolerated. In summary, the available evidence is currently insufficient to determine the role of this variant in disease. Therefore, it has been classified as a Variant of Uncertain Significance.

NM_001384317.1(ZHX3):c.2809G>T (p.Ala937Ser)

Gene: ZHX3 (zinc fingers and homeoboxes 3; minus strand). Cytogenetic location: 20q12.
Variant type: single nucleotide variant.
Coding change: c.2809G>T on transcript NM_001384317.1 (MANE Select); coding-DNA position 2809, G replaced by T.
Protein change: p.Ala937Ser; replaces alanine 937 with serine.
Molecular consequence: missense variant. On other transcripts: intron variant (1).
Genome position (GRCh38, 1-based): chr20:41,202,108, C>A on the plus strand (G>T on the coding strand, the complement: ZHX3 is on the minus strand). VCF-style: chr20-41202108-C-A. GRCh37 (hg19) VCF-style: chr20-39830748-C-A.
Other names: c.2809G>T, p.Ala937Ser (NM_001384315.1, NM_001384316.1, NM_001384318.1 and 7 more transcripts); c.2634+175G>T (NM_001384324.1); short protein forms A937S.
Identifiers: ClinVar variation 3621311 (VCV003621311.2).